The following is an entry in ClinVar:

NM_001365951.3(KIF1B):c.4241A>G (p.Lys1414Arg)

Gene: KIF1B (kinesin family member 1B; plus strand). Cytogenetic location: 1p36.22.
Variant type: single nucleotide variant.
Coding change: c.4241A>G on transcript NM_001365951.3 (MANE Select); coding-DNA position 4241, A replaced by G.
Protein change: p.Lys1414Arg; replaces lysine 1414 with arginine.
Molecular consequence: missense variant.
Genome position (GRCh38, 1-based): chr1:10,361,762, A>G. VCF-style: chr1-10361762-A-G. GRCh37 (hg19) VCF-style: chr1-10421820-A-G.
Other names: c.4241A>G, p.Lys1414Arg (NM_001365952.1); c.4103A>G, p.Lys1368Arg (NM_015074.3); short protein forms K1414R, K1368R.
Identifiers: ClinVar variation 5023218 (VCV005023218.1).
Genomic context (GRCh38, chr1:10,361,762, plus strand): 5'-GCATCCAGCCGGCTGTCATCACCAAGGATGTGTGCATGGTCTTCTACTCCCGAGATGCCA[A>G]GATCTCACCACCACGCTCTCTGCGTAGCCTCTTTGGCAGCGGCTACTCAAAGTCACCAGA-3'
Protein context (NP_001352880.1, residues 1404-1424): VCMVFYSRDA[Lys1414Arg]ISPPRSLRSL

ClinVar aggregate classification (germline): Uncertain significance (1 of 4 stars; one submission).

Submission:

Ambry Genetics
Classification: Uncertain significance. Last evaluated: 2026-08-11. Review status: criteria provided, single submitter. Criteria: Ambry Variant Classification Scheme 2023. Collection method: clinical testing. Allele origin: germline.
Comment: The p.K1368R variant (also known as c.4103A>G), located in coding exon 37 of the KIF1B gene, results from an A to G substitution at nucleotide position 4103. The lysine at codon 1368 is replaced by arginine, an amino acid with highly similar properties. This amino acid position is conserved. In addition, this alteration is predicted to be tolerated by in silico analysis. Based on the available evidence, the clinical significance of this variant remains unclear.